The following is an entry in ClinVar:

NM_024580.6(EFL1):c.1019A>C (p.Gln340Pro)

Gene: EFL1 (elongation factor like GTPase 1; minus strand). Cytogenetic location: 15q25.2.
Variant type: single nucleotide variant.
Coding change: c.1019A>C on transcript NM_024580.6 (MANE Select); coding-DNA position 1019, A replaced by C.
Protein change: p.Gln340Pro; replaces glutamine 340 with proline.
Molecular consequence: missense variant. On other transcripts: non-coding transcript variant (1).
Genome position (GRCh38, 1-based): chr15:82,228,241, T>G on the plus strand (A>C on the coding strand, the complement: EFL1 is on the minus strand). VCF-style: chr15-82228241-T-G. GRCh37 (hg19) VCF-style: chr15-82520582-T-G.
Other names: c.866A>C, p.Gln289Pro (NM_001040610.3); c.230A>C, p.Gln77Pro (NM_001322844.2); c.1019A>C, p.Gln340Pro (NM_001322845.2); short protein forms Q289P, Q77P, Q340P.
Identifiers: ClinVar variation 1487046 (VCV001487046.5), dbSNP rs772167610, ClinGen allele CA7698118.
Genomic context (GRCh38, chr15:82,228,241, plus strand): 5'-TAAAGGATACCAAGAACAGCATGGGATATGGGTAGCCACTGACTGCAAATGGCGTTGATC[T>G]GAACTTTAGGGTCTGAATGTCGTGCCTCCCGGGCTCCAATTTTTAATCCTAAAGAAGTCA-3'
Protein context (NP_078856.4, residues 330-350): REARHSDPKV[Gln340Pro]INAICSQWLP

ClinVar aggregate classification (germline): Uncertain significance (1 of 4 stars; one submission).

Allele frequency attached by ClinVar (database versions not stated): gnomAD exomes 0.00003; TOPMed 0.00002; ExAC 0.00003.
gnomAD v4.1: 101 of 1,613,992 alleles (0.0063%); highest among the groups gnomAD compares: Non-Finnish European, 0.0071%; no homozygotes.

Submission:

Labcorp Genetics (formerly Invitae), Labcorp
Classification: Uncertain significance. Last evaluated: 2022-10-07. Review status: criteria provided, single submitter. Criteria: Invitae Variant Classification Sherloc (09022015). Collection method: clinical testing. Allele origin: germline.
Comment: This sequence change replaces glutamine, which is neutral and polar, with proline, which is neutral and non-polar, at codon 340 of the EFL1 protein (p.Gln340Pro). This variant is present in population databases (rs772167610, gnomAD 0.03%). This variant has not been reported in the literature in individuals affected with EFL1-related conditions. ClinVar contains an entry for this variant (Variation ID: 1487046). Advanced modeling of protein sequence and biophysical properties (such as structural, functional, and spatial information, amino acid conservation, physicochemical variation, residue mobility, and thermodynamic stability) performed at Invitae indicates that this missense variant is not expected to disrupt EFL1 protein function. In summary, the available evidence is currently insufficient to determine the role of this variant in disease. Therefore, it has been classified as a Variant of Uncertain Significance.